The following is an entry in ClinVar:

ClinVar aggregate classification (germline): Uncertain significance (1 of 4 stars; one submission).

Conditions:
Maturity-onset diabetes of the young type 7 (MODY7). Identifiers: Orphanet 552, MedGen C1864839, MONDO:0012513, OMIM 610508.

Allele frequency attached by ClinVar (database versions not stated): gnomAD exomes below 0.00001; ExAC 0.00001; gnomAD 0.00001; TOPMed 0.00003.

Submission:

Department Of Endocrinology, Sanjay Gandhi Postgraduate Institute Of Medical Sciences
Classification: Uncertain significance for Maturity-onset diabetes of the young type 7. Last evaluated: 2023-08-15. Review status: criteria provided, single submitter. Criteria: ACMG Guidelines, 2015. Collection method: clinical testing. Allele origin: maternal. Inheritance: Autosomal dominant inheritance. Affected: yes. Observed: 1 heterozygote.
Comment: Heterozygous missense variation in exon 2 of the KLF11 gene (chr2:g.10186542C>T) that results in the amino acid substitution of Isoleucine for Threonine at codon 103. The variant has not been reported in the 1000 genomes and gnomAD databases (PM2). The in silico predictions# of the variant are probably damaging by PolyPhen-2, and damaging by SIFT and MutationTaster2. The reference codon is conserved across species. Hence, the variant did not segregate with the phenotype in the family (BS4). In consideration of these facts, the variant was considered to be a VUS as per ACMG 2015 guidleines.

NM_003597.5(KLF11):c.308C>T (p.Thr103Ile)

Gene: KLF11 (KLF transcription factor 11; plus strand). Cytogenetic location: 2p25.1.
Variant type: single nucleotide variant.
Coding change: c.308C>T on transcript NM_003597.5 (MANE Select); coding-DNA position 308, C replaced by T.
Protein change: p.Thr103Ile; replaces threonine 103 with isoleucine.
Molecular consequence: missense variant.
Genome position (GRCh38, 1-based): chr2:10,046,415, C>T. VCF-style: chr2-10046415-C-T. GRCh37 (hg19) VCF-style: chr2-10186542-C-T.
Other names: NP_003588.1:p.(Thr103Ile); c.257C>T, p.Thr86Ile (NM_001177716.2, NM_001177718.2); short protein forms T103I, T86I.
Identifiers: ClinVar variation 2580180 (VCV002580180.2), dbSNP rs759416179, ClinGen allele CA1525451.
Genomic context (GRCh38, chr2:10,046,415, plus strand): 5'-CCACTGTGCATATGGATGCAGCCACACCTGAACTACCAAAAGACTTCCATTCTTTATCGA[C>T]TCTGGTAAGAGGAGGTGGGAGGGAGGAGCGTTTTTGTGAAATGACTAGAGTAGCTGAACT-3'
Protein context (NP_003588.1, residues 93-113): ELPKDFHSLS[Thr103Ile]LCITPPQSPD